The following is an entry in ClinVar:

ClinVar aggregate classification (germline): Conflicting classifications of pathogenicity. Review status: criteria provided, conflicting classifications (1 of 4 stars). 6 submissions from 6 submitters: Uncertain significance (4); Likely benign (2). Last evaluated 2026-02-24.

Conditions:
Coffin-Siris syndrome 5 (CSS5). Identifiers: Orphanet 1465, MedGen C4310788, MONDO:0014838, OMIM 616938.
Familial meningioma. Also called: Meningioma, familial, susceptibility to. Identifiers: Orphanet 263662, MedGen C3551915, MONDO:0011789, OMIM 607174.
Hereditary cancer-predisposing syndrome. Also called: Hereditary neoplastic syndrome; Neoplastic Syndromes, Hereditary; Hereditary Cancer Syndrome; Tumor predisposition. Identifiers: Orphanet 140162, MedGen C0027672, MeSH D009386, MONDO:0015356.

Allele frequency attached by ClinVar (database versions not stated): gnomAD 0.00001; gnomAD exomes 0.00001 and 0.00002; ExAC 0.00002; TOPMed 0.00002.
gnomAD v4.1: 19 of 1,613,476 alleles (0.0012%); highest among the groups gnomAD compares: Non-Finnish European, 0.00017%; no homozygotes.

Submissions (6):

Helix
Classification: Uncertain significance for Familial meningioma. Last evaluated: 2026-02-24. Review status: criteria provided, single submitter. Criteria: ACMG Guidelines, 2015. Collection method: clinical testing. Allele origin: germline. Inheritance: Autosomal dominant inheritance.
Comment: This variant (NM_003079.5:c.1210A>G p.Ile404Val) results in the substitution of isoleucine with valine at codon 404 in the SMARCE1 protein. It is a rare variant that is absent from the large gnomAD population database (v4.1). To our knowledge, this variant has not been reported in individuals with SMARCE1-related conditions in the published literature. In silico prediction from REVEL (PMID: 27666373) suggests that this variant may be benign. This variant is present in ClinVar (Accession: VCV000463421.15). In conclusion, since the available evidence is limited, the clinical significance of this variant is unclear at this time. Therefore, it is classified as a Variant of Uncertain Significance.

Labcorp Genetics (formerly Invitae), Labcorp
Classification: Uncertain significance for Familial meningioma. Last evaluated: 2026-01-19. Review status: criteria provided, single submitter. Criteria: Invitae Variant Classification Sherloc (09022015). Collection method: clinical testing. Allele origin: germline.
Comment: This sequence change replaces isoleucine, which is neutral and non-polar, with valine, which is neutral and non-polar, at codon 404 of the SMARCE1 protein (p.Ile404Val). This variant is present in population databases (rs751165188, gnomAD 0.05%). This variant has not been reported in the literature in individuals affected with SMARCE1-related conditions. ClinVar contains an entry for this variant (Variation ID: 463421). An algorithm developed to predict the effect of missense changes on protein structure and function outputs the following: PolyPhen-2: "Not Available". The valine amino acid residue is found in multiple mammalian species, which suggests that this missense change does not adversely affect protein function. In summary, the available evidence is currently insufficient to determine the role of this variant in disease. Therefore, it has been classified as a Variant of Uncertain Significance.

Blueprint Genetics
Classification: Likely benign. Last evaluated: 2024-05-22. Review status: criteria provided, single submitter. Criteria: ACMG Guidelines, 2015. Collection method: clinical testing. Allele origin: germline.

Fulgent Genetics
Classification: Uncertain significance for Familial meningioma; Coffin-Siris syndrome 5. Last evaluated: 2024-02-28. Review status: criteria provided, single submitter. Criteria: ACMG Guidelines, 2015. Collection method: clinical testing. Allele origin: germline.

GeneDx
Classification: Uncertain significance. Last evaluated: 2023-03-23. Review status: criteria provided, single submitter. Criteria: GeneDx Variant Classification Process June 2021. Collection method: clinical testing. Allele origin: germline. Affected: yes.
Comment: In silico analysis supports that this missense variant does not alter protein structure/function; Has not been previously published as pathogenic or benign to our knowledge; This variant is associated with the following publications: (PMID: 19245665)

Ambry Genetics
Classification: Likely benign for Hereditary cancer-predisposing syndrome. Last evaluated: 2021-08-05. Review status: criteria provided, single submitter. Criteria: Ambry Variant Classification Scheme 2023. Collection method: clinical testing. Allele origin: germline.

NM_003079.5(SMARCE1):c.1210A>G (p.Ile404Val)

Gene: SMARCE1 (SWI/SNF related BAF chromatin remodeling complex subunit E1; minus strand). Cytogenetic location: 17q21.2.
Variant type: single nucleotide variant.
Coding change: c.1210A>G on transcript NM_003079.5 (MANE Select); coding-DNA position 1210, A replaced by G.
Protein change: p.Ile404Val; replaces isoleucine 404 with valine.
Molecular consequence: missense variant.
Genome position (GRCh38, 1-based): chr17:40,628,811, T>C on the plus strand (A>G on the coding strand, the complement: SMARCE1 is on the minus strand). VCF-style: chr17-40628811-T-C. GRCh37 (hg19) VCF-style: chr17-38785063-T-C.
Other names: short protein forms I404V.
Identifiers: ClinVar variation 463421 (VCV000463421.17), dbSNP rs751165188, ClinGen allele CA8545046.
Genomic context (GRCh38, chr17:40,628,811, plus strand): 5'-AAAAGTATTTAGAACACACAAAACAAGGCAACACTTATTCTTTTTTCTCATCTTCTGGTA[T>C]GGGATCTGTTGGTGGCTCCTCCACTGTTGCACTGTTGCTCTCCGAGCCAGTGTTACTATC-3'
Protein context (NP_003070.3, residues 394-411): ATVEEPPTDP[Ile404Val]PEDEKKE